The following is an entry in ClinVar:

NM_000506.5(F2):c.1473-3_1473-2del

Gene: F2 (coagulation factor II, thrombin; plus strand). Cytogenetic location: 11p11.2.
Variant type: Deletion.
Coding change: c.1473-3_1473-2del on transcript NM_000506.5 (MANE Select); 3 bases into the intron before coding-DNA position 1473 through the canonical splice acceptor site of the intron before coding-DNA position 1473, 2 bases deleted (AA; older notation c.1473-3_1473-2delAA).
Molecular consequence: splice acceptor variant.
Genome position (GRCh38, 1-based): chr11:46,729,377-46,729,378, AA deleted; deleting any 2 consecutive bases within chr11:46,729,376-46,729,378 gives the same sequence; the c. name uses the placement nearest the transcript's 3' end. VCF-style (leftmost placement, unchanged base first): chr11-46729375-CAA-C. GRCh37 (hg19) VCF-style: chr11-46750925-CAA-C.
Identifiers: ClinVar variation 2261240 (VCV002261240.2), dbSNP rs2502836735, ClinGen allele CA2580084133.

ClinVar aggregate classification (germline): Uncertain significance (1 of 4 stars; one submission).

Conditions:
Inborn genetic diseases. Identifiers: MedGen C0950123, MeSH D030342.

Submission:

Ambry Genetics
Classification: Uncertain significance for Inborn genetic diseases. Last evaluated: 2021-11-22. Review status: criteria provided, single submitter. Criteria: Ambry Variant Classification Scheme 2023. Collection method: clinical testing. Allele origin: germline.
Comment: The c.1473-3_1473-2delAA alteration is located in intron 11 of the F2 gene. This alteration consists of a deletion of 2 nucleotides at nucleotide position c.1473-3. Based on insufficient or conflicting evidence, the clinical significance of this alteration remains unclear.